The following is an entry in ClinVar:

NM_000142.5(FGFR3):c.28C>T (p.Leu10Phe)

Gene: FGFR3 (fibroblast growth factor receptor 3; plus strand). Cytogenetic location: 4p16.3.
Variant type: single nucleotide variant.
Coding change: c.28C>T on transcript NM_000142.5 (MANE Select); coding-DNA position 28, C replaced by T.
Protein change: p.Leu10Phe; replaces leucine 10 with phenylalanine.
Molecular consequence: missense variant. On other transcripts: non-coding transcript variant (1).
Genome position (GRCh38, 1-based): chr4:1,793,962, C>T. VCF-style: chr4-1793962-C-T. GRCh37 (hg19) VCF-style: chr4-1795689-C-T.
Other names: c.28C>T, p.Leu10Phe (NM_001163213.2, NM_001354809.2, NM_001354810.2 and 1 more transcripts); short protein forms L10F.
Identifiers: ClinVar variation 1679977 (VCV001679977.7), dbSNP rs918934226, ClinGen allele CA91266055.

ClinVar aggregate classification (germline): Uncertain significance. Review status: criteria provided, multiple submitters, no conflicts (2 of 4 stars). 2 submissions from 2 submitters: Uncertain significance (2). Last evaluated 2026-06-03.

Allele frequency attached by ClinVar (database versions not stated): TOPMed 0.00005.

Submissions (2):

Women's Health and Genetics/Laboratory Corporation of America, LabCorp
Classification: Uncertain significance. Last evaluated: 2026-06-03. Review status: criteria provided, single submitter. Criteria: LabCorp Variant Classification Summary - May 2015. Collection method: clinical testing. Allele origin: germline.
Comment: Variant summary: FGFR3 c.28C>T (p.Leu10Phe) results in a non-conservative amino acid change in the encoded protein sequence. Algorithms developed to predict the effect of missense changes on protein structure and function are either unavailable or do not agree on the potential impact of this missense change. The frequency data for this variant in gnomAD is considered unreliable, as metrics indicate poor data quality at this position. To our knowledge, no occurrence of c.28C>T in individuals affected with FGFR3-related conditions and no experimental evidence demonstrating its impact on protein function have been reported. ClinVar contains an entry for this variant (Variation ID: 1679977). Based on the evidence outlined above, the variant was classified as uncertain significance.

Labcorp Genetics (formerly Invitae), Labcorp
Classification: Uncertain significance. Last evaluated: 2025-11-24. Review status: criteria provided, single submitter. Criteria: Invitae Variant Classification Sherloc (09022015). Collection method: clinical testing. Allele origin: germline.
Comment: This sequence change replaces leucine, which is neutral and non-polar, with phenylalanine, which is neutral and non-polar, at codon 10 of the FGFR3 protein (p.Leu10Phe). This variant is not present in population databases (gnomAD no frequency). This variant has not been reported in the literature in individuals affected with FGFR3-related conditions. ClinVar contains an entry for this variant (Variation ID: 1679977). An algorithm developed to predict the effect of missense changes on protein structure and function outputs the following: PolyPhen-2: "Not Available". The phenylalanine amino acid residue is found in multiple mammalian species, which suggests that this missense change does not adversely affect protein function. In summary, the available evidence is currently insufficient to determine the role of this variant in disease. Therefore, it has been classified as a Variant of Uncertain Significance.